The following is an entry in ClinVar:

NM_002241.5(KCNJ10):c.305del (p.Pro102fs)

Gene: KCNJ10 (potassium inwardly rectifying channel subfamily J member 10; minus strand). Cytogenetic location: 1q23.2.
Variant type: Deletion.
Coding change: c.305del on transcript NM_002241.5 (MANE Select); coding-DNA position 305, one base deleted (C; older notation c.305delC).
Protein change: p.Pro102fs; shifts the reading frame from proline 102.
Molecular consequence: frameshift variant.
Genome position (GRCh38, 1-based): chr1:160,042,228, G deleted on the plus strand (C on the coding strand, the reverse complement: KCNJ10 is on the minus strand); the first of 6 consecutive G bases (chr1:160,042,228-160,042,233); deleting any one gives the same sequence. VCF-style (leftmost placement, unchanged base first): chr1-160042227-CG-C. GRCh37 (hg19) VCF-style: chr1-160012017-CG-C.
Other names: c.305delC (NM_002241.4); short protein forms P102fs.
Identifiers: ClinVar variation 1382196 (VCV001382196.7), dbSNP rs765409185, ClinGen allele CA1193257.
Genomic context (GRCh38, chr1:160,042,227, plus strand): 5'-GGAGAAGAGGAAGGCTCCAGTGAGTGTGTGCACCTGTACCACACAGGGGGTGTGGTTGGC[CG>C]GGGGGTCCAGCTCCAGCAGGTCCCCATGTGCCACAGCTACCAGATACCACACCACGCCAA-3'

ClinVar aggregate classification (germline): Pathogenic/Likely pathogenic. Review status: criteria provided, multiple submitters, no conflicts (2 of 4 stars). 2 submissions from 2 submitters: Pathogenic (1); Likely pathogenic (1). Last evaluated 2026-04-30.

Conditions:
KCNJ10-related disorder. Also called: KCNJ10-related condition; KCNJ10-related disorders. Identifiers: MedGen CN239321.
EAST syndrome (SESAMES). Also called: SEIZURES, SENSORINEURAL DEAFNESS, ATAXIA, IMPAIRED INTELLECTUAL DEVELOPMENT, AND ELECTROLYTE IMBALANCE. Identifiers: Orphanet 199343, MedGen C2748572, MONDO:0013005, OMIM 612780.

Submissions (2):

PreventionGenetics, part of Exact Sciences
Classification: Likely pathogenic for KCNJ10-related condition. Last evaluated: 2026-04-30. Review status: criteria provided, single submitter. Criteria: ACMG Guidelines, 2015. Collection method: clinical testing. Allele origin: germline.
Comment: The KCNJ10 c.305delC variant is predicted to result in a frameshift and premature protein termination (p.Pro102Argfs*96). To our knowledge, this variant has not been reported in the literature. This variant is reported in 0.0033% of alleles in individuals of South Asian descent in gnomAD. Frameshift variants in KCNJ10 are expected to be pathogenic. This variant is interpreted as likely pathogenic.

Labcorp Genetics (formerly Invitae), Labcorp
Classification: Pathogenic for EAST syndrome. Last evaluated: 2024-08-29. Review status: criteria provided, single submitter. Criteria: Invitae Variant Classification Sherloc (09022015). Collection method: clinical testing. Allele origin: germline.
Comment: This sequence change creates a premature translational stop signal (p.Pro102Argfs*96) in the KCNJ10 gene. While this is not anticipated to result in nonsense mediated decay, it is expected to disrupt the last 278 amino acid(s) of the KCNJ10 protein. The frequency data for this variant in the population databases is considered unreliable, as metrics indicate poor data quality at this position in the gnomAD database. This variant has not been reported in the literature in individuals affected with KCNJ10-related conditions. ClinVar contains an entry for this variant (Variation ID: 1382196). This variant disrupts a region of the KCNJ10 protein in which other variant(s) (p.Arg199*) have been determined to be pathogenic (PMID: 19289823, 20678478, 20807765, 21088294, 21849804, 23924083). This suggests that this is a clinically significant region of the protein, and that variants that disrupt it are likely to be disease-causing. For these reasons, this variant has been classified as Pathogenic.

Literature cited by the submitters: PubMed 19289823 (cited by Labcorp Genetics (formerly Invitae), Labcorp); PubMed 20678478 (cited by Labcorp Genetics (formerly Invitae), Labcorp); PubMed 20807765 (cited by Labcorp Genetics (formerly Invitae), Labcorp); PubMed 21088294 (cited by Labcorp Genetics (formerly Invitae), Labcorp); PubMed 21849804 (cited by Labcorp Genetics (formerly Invitae), Labcorp); PubMed 23924083 (cited by Labcorp Genetics (formerly Invitae), Labcorp).